The following is an entry in ClinVar:

NM_015932.6(POMP):c.3+4A>G

Gene: POMP (proteasome maturation protein; plus strand). Cytogenetic location: 13q12.3.
Variant type: single nucleotide variant.
Coding change: c.3+4A>G on transcript NM_015932.6 (MANE Select); 4 bases into the intron after coding-DNA position 3, A replaced by G.
Molecular consequence: intron variant.
Genome position (GRCh38, 1-based): chr13:28,659,191, A>G. VCF-style: chr13-28659191-A-G. GRCh37 (hg19) VCF-style: chr13-29233328-A-G.
Identifiers: ClinVar variation 2984415 (VCV002984415.3), dbSNP rs765684384, ClinGen allele CA6930969.

ClinVar aggregate classification (germline): Uncertain significance (1 of 4 stars; one submission).

Allele frequency attached by ClinVar (database versions not stated): TOPMed below 0.00001; gnomAD exomes 0.00001; ExAC 0.00010.
gnomAD v4.1: 5 of 1,590,584 alleles (0.00031%); highest among the groups gnomAD compares: Middle Eastern, 0.017%; no homozygotes.

Submission:

Labcorp Genetics (formerly Invitae), Labcorp
Classification: Uncertain significance. Last evaluated: 2024-03-13. Review status: criteria provided, single submitter. Criteria: Invitae Variant Classification Sherloc (09022015). Collection method: clinical testing. Allele origin: germline.
Comment: This sequence change falls in intron 1 of the POMP gene. It does not directly change the encoded amino acid sequence of the POMP protein. It affects a nucleotide within the consensus splice site. This variant is present in population databases (rs765684384, gnomAD 0.004%). This variant has not been reported in the literature in individuals affected with POMP-related conditions. Variants that disrupt the consensus splice site are a relatively common cause of aberrant splicing (PMID: 17576681, 9536098). Algorithms developed to predict the effect of sequence changes on RNA splicing suggest that this variant may disrupt the consensus splice site. In summary, the available evidence is currently insufficient to determine the role of this variant in disease. Therefore, it has been classified as a Variant of Uncertain Significance.

Literature cited by the submitters: PubMed 17576681; PubMed 9536098.